The following is an entry in ClinVar:

NM_021625.5(TRPV4):c.1796C>G (p.Thr599Arg)

Gene: TRPV4 (transient receptor potential cation channel subfamily V member 4; minus strand). Cytogenetic location: 12q24.11.
Variant type: single nucleotide variant.
Coding change: c.1796C>G on transcript NM_021625.5 (MANE Select); coding-DNA position 1796, C replaced by G.
Protein change: p.Thr599Arg; replaces threonine 599 with arginine.
Molecular consequence: missense variant.
Genome position (GRCh38, 1-based): chr12:109,792,680, G>C on the plus strand (C>G on the coding strand, the complement: TRPV4 is on the minus strand). VCF-style: chr12-109792680-G-C. GRCh37 (hg19) VCF-style: chr12-110230485-G-C.
Other names: c.1655C>G, p.Thr552Arg (NM_001177428.2); c.1694C>G, p.Thr565Arg (NM_001177431.2); c.1475C>G, p.Thr492Arg (NM_001177433.2); c.1616C>G, p.Thr539Arg (NM_147204.3); short protein forms T599R, T492R, T552R, T565R, T539R.
Identifiers: ClinVar variation 307127 (VCV000307127.14), dbSNP rs769225216, ClinGen allele CA10636470.

ClinVar aggregate classification (germline): Uncertain significance. Review status: criteria provided, multiple submitters, no conflicts (2 of 4 stars). 7 submissions from 2 submitters: Uncertain significance (7). Last evaluated 2025-09-14.

Conditions:
Scapuloperoneal spinal muscular atrophy (SPSMA). Also called: Scapuloperoneal Spinal Muscular Atrophy, TRPV4-Related; AMYOTROPHY, NEUROGENIC SCAPULOPERONEAL, NEW ENGLAND TYPE; Scapuloperoneal Form of Spinal Muscular Atrophy; Scapuloperoneal spinal muscular atrophy, autosomal dominant. Identifiers: Orphanet 431255, MedGen C0751335, MONDO:0008408, OMIM 181405.
Charcot-Marie-Tooth disease axonal type 2C (HMSN2C). Also called: Charcot-Marie-Tooth Disease Type 2, TRPV4-Related (CMT2C); CHARCOT-MARIE-TOOTH DISEASE, AXONAL, AUTOSOMAL DOMINANT, TYPE 2C; Charcot-Marie-Tooth Neuropathy Type 2C. Identifiers: Orphanet 99937, MedGen C1853710, MONDO:0011633, OMIM 606071.
Brachyrachia (short spine dysplasia) (BCYM3). Also called: BRACHYRACHIA; Autosomal dominant brachyolmia; Brachyolmia, TRPV4-Related; Brachyolmia Type 3. Identifiers: Orphanet 93304, MedGen C0432227, MONDO:0007232, OMIM 113500.
Spondylometaphyseal dysplasia, Kozlowski type (SMDK). Also called: Dysmorphism arthrogryposis skeletal maturation advanced; Jequier-Kozlowski syndrome; Skeletal dysplasia Jequier-Kozlowski type; SMD Kozlowski type; Spondylometaphyseal Dysplasia, TRPV4-Related (Kozlowski Type). Identifiers: Orphanet 93314, MedGen C0265280, MONDO:0008477, OMIM 184252.
Neuronopathy, distal hereditary motor, autosomal dominant 8. Also called: Autosomal dominant congenital benign spinal muscular atrophy; SPINAL MUSCULAR ATROPHY, CONGENITAL BENIGN, WITH CONTRACTURES; NEURONOPATHY, DISTAL HEREDITARY MOTOR, TYPE VIII; NEUROPATHY, DISTAL HEREDITARY MOTOR, TYPE VIII. Identifiers: Orphanet 1216, MedGen C1838492, MONDO:0010839, OMIM 600175.
Metatropic dysplasia (MTD). Also called: Metatropic Dysplasia, TRPV4-Related; METATROPIC DWARFISM; Metatropic dysplasia, nonlethal dominant. Identifiers: Orphanet 2635, MedGen C0265281, MONDO:0007986, OMIM 156530.

gnomAD v4.1: 1 of 1,614,164 alleles (0.000062%); highest among the groups gnomAD compares: Non-Finnish European, 0.000085%; no homozygotes.

Submissions (7):

Labcorp Genetics (formerly Invitae), Labcorp
Classification: Uncertain significance for Charcot-Marie-Tooth disease axonal type 2C. Last evaluated: 2025-09-14. Review status: criteria provided, single submitter. Criteria: Invitae Variant Classification Sherloc (09022015). Collection method: clinical testing. Allele origin: germline.
Comment: This sequence change replaces threonine, which is neutral and polar, with arginine, which is basic and polar, at codon 599 of the TRPV4 protein (p.Thr599Arg). This variant is not present in population databases (gnomAD no frequency). This variant has not been reported in the literature in individuals affected with TRPV4-related conditions. ClinVar contains an entry for this variant (Variation ID: 307127). Invitae Evidence Modeling of protein sequence and biophysical properties (such as structural, functional, and spatial information, amino acid conservation, physicochemical variation, residue mobility, and thermodynamic stability) has been performed for this missense variant. However, the output from this modeling did not meet the statistical confidence thresholds required to predict the impact of this variant on TRPV4 protein function. In summary, the available evidence is currently insufficient to determine the role of this variant in disease. Therefore, it has been classified as a Variant of Uncertain Significance.

Illumina Laboratory Services, Illumina
Classification: Uncertain significance for Brachyrachia (short spine dysplasia). Last evaluated: 2018-01-12. Review status: criteria provided, single submitter. Criteria: ICSL Variant Classification Criteria 13 December 2019. Collection method: clinical testing. Allele origin: germline.

Illumina Laboratory Services, Illumina
Classification: Uncertain significance for Metatropic dysplasia. Last evaluated: 2018-01-12. Review status: criteria provided, single submitter. Criteria: ICSL Variant Classification Criteria 13 December 2019. Collection method: clinical testing. Allele origin: germline.

Illumina Laboratory Services, Illumina
Classification: Uncertain significance for Neuronopathy, distal hereditary motor, autosomal dominant 8. Last evaluated: 2018-01-12. Review status: criteria provided, single submitter. Criteria: ICSL Variant Classification Criteria 13 December 2019. Collection method: clinical testing. Allele origin: germline.

Illumina Laboratory Services, Illumina
Classification: Uncertain significance for Scapuloperoneal spinal muscular atrophy. Last evaluated: 2018-01-12. Review status: criteria provided, single submitter. Criteria: ICSL Variant Classification Criteria 13 December 2019. Collection method: clinical testing. Allele origin: germline.

Illumina Laboratory Services, Illumina
Classification: Uncertain significance for Charcot-Marie-Tooth disease axonal type 2C. Last evaluated: 2018-01-12. Review status: criteria provided, single submitter. Criteria: ICSL Variant Classification Criteria 13 December 2019. Collection method: clinical testing. Allele origin: germline.

Illumina Laboratory Services, Illumina
Classification: Uncertain significance for Spondylometaphyseal dysplasia, Kozlowski type. Last evaluated: 2018-01-12. Review status: criteria provided, single submitter. Criteria: ICSL Variant Classification Criteria 13 December 2019. Collection method: clinical testing. Allele origin: germline.